The following is an entry in ClinVar:

ClinVar aggregate classification (germline): Benign (1 of 4 stars; one submission).

Allele frequency attached by ClinVar (database versions not stated): gnomAD 0.20061 and 0.20154; TOPMed 0.20644; 1000 Genomes Project 0.21186; 1000 Genomes Project 30x 0.21268.
gnomAD v4.1: 30,282 of 151,602 alleles (20%); highest among the groups gnomAD compares: East Asian, 28%; 3,305 homozygotes.

Submission:

GeneDx
Classification: Benign. Last evaluated: 2018-06-16. Review status: criteria provided, single submitter. Criteria: GeneDx Variant Classification (06012015). Collection method: clinical testing. Allele origin: germline. Affected: yes.
Comment: This variant is considered likely benign or benign based on one or more of the following criteria: it is a conservative change, it occurs at a poorly conserved position in the protein, it is predicted to be benign by multiple in silico algorithms, and/or has population frequency not consistent with disease.

NM_018249.6(CDK5RAP2):c.5308-313G>A

Gene: CDK5RAP2 (CDK5 regulatory subunit associated protein 2; minus strand). Cytogenetic location: 9q33.2.
Variant type: single nucleotide variant.
Coding change: c.5308-313G>A on transcript NM_018249.6 (MANE Select); 313 bases into the intron before coding-DNA position 5308, G replaced by A.
Molecular consequence: intron variant.
Genome position (GRCh38, 1-based): chr9:120,401,198, C>T on the plus strand (G>A on the coding strand, the complement: CDK5RAP2 is on the minus strand). VCF-style: chr9-120401198-C-T. GRCh37 (hg19) VCF-style: chr9-123163476-C-T.
Other names: c.4618-313G>A (NM_001272039.2); c.5071-313G>A (NM_001011649.3).
Identifiers: ClinVar variation 668864 (VCV000668864.1), dbSNP rs1547266, ClinGen allele CA199290404.